The following is an entry in ClinVar:

NM_005612.5(REST):c.1517C>G (p.Thr506Arg)

Gene: REST (RE1 silencing transcription factor; plus strand). Cytogenetic location: 4q12.
Variant type: single nucleotide variant.
Coding change: c.1517C>G on transcript NM_005612.5 (MANE Select); coding-DNA position 1517, C replaced by G.
Protein change: p.Thr506Arg; replaces threonine 506 with arginine.
Molecular consequence: missense variant.
Genome position (GRCh38, 1-based): chr4:56,930,375, C>G. VCF-style: chr4-56930375-C-G. GRCh37 (hg19) VCF-style: chr4-57796541-C-G.
Other names: c.1517C>G, p.Thr506Arg (NM_001193508.2, NM_001363453.3); short protein forms T506R.
Identifiers: ClinVar variation 3609381 (VCV003609381.2).

ClinVar aggregate classification (germline): Uncertain significance (1 of 4 stars; one submission).

Submission:

Labcorp Genetics (formerly Invitae), Labcorp
Classification: Uncertain significance. Last evaluated: 2024-03-05. Review status: criteria provided, single submitter. Criteria: Invitae Variant Classification Sherloc (09022015). Collection method: clinical testing. Allele origin: germline.
Comment: This sequence change replaces threonine, which is neutral and polar, with arginine, which is basic and polar, at codon 506 of the REST protein (p.Thr506Arg). This variant is not present in population databases (gnomAD no frequency). This variant has not been reported in the literature in individuals affected with REST-related conditions. An algorithm developed to predict the effect of missense changes on protein structure and function (PolyPhen-2) suggests that this variant is likely to be disruptive. In summary, the available evidence is currently insufficient to determine the role of this variant in disease. Therefore, it has been classified as a Variant of Uncertain Significance.